The following is an entry in ClinVar:

NM_033100.4(CDHR1):c.1400A>C (p.Asp467Ala)

Gene: CDHR1 (cadherin related family member 1; plus strand). Cytogenetic location: 10q23.1.
Variant type: single nucleotide variant.
Coding change: c.1400A>C on transcript NM_033100.4 (MANE Select); coding-DNA position 1400, A replaced by C.
Protein change: p.Asp467Ala; replaces aspartic acid 467 with alanine.
Molecular consequence: missense variant.
Genome position (GRCh38, 1-based): chr10:84,211,080, A>C. VCF-style: chr10-84211080-A-C. GRCh37 (hg19) VCF-style: chr10-85970836-A-C.
Other names: c.1400A>C, p.Asp467Ala (NM_001171971.3); c.1400A>C (NM_033100.2); short protein forms D467A.
Identifiers: ClinVar variation 1470427 (VCV001470427.9), dbSNP rs146934914, ClinGen allele CA5579929.

ClinVar aggregate classification (germline): Uncertain significance. Review status: criteria provided, multiple submitters, no conflicts (2 of 4 stars). 3 submissions from 3 submitters: Uncertain significance (3). Last evaluated 2025-01-24.

Conditions:
Inborn genetic diseases. Identifiers: MedGen C0950123, MeSH D030342.

gnomAD v4.1: 14 of 1,614,084 alleles (0.00087%); highest among the groups gnomAD compares: East Asian, 0.029%; no homozygotes.

Submissions (3):

Ambry Genetics
Classification: Uncertain significance for Inborn genetic diseases. Last evaluated: 2025-01-24. Review status: criteria provided, single submitter. Criteria: Ambry Variant Classification Scheme 2023. Collection method: clinical testing. Allele origin: germline.

Labcorp Genetics (formerly Invitae), Labcorp
Classification: Uncertain significance. Last evaluated: 2022-03-11. Review status: criteria provided, single submitter. Criteria: Invitae Variant Classification Sherloc (09022015). Collection method: clinical testing. Allele origin: germline.
Comment: In summary, the available evidence is currently insufficient to determine the role of this variant in disease. Therefore, it has been classified as a Variant of Uncertain Significance. This sequence change replaces aspartic acid, which is acidic and polar, with alanine, which is neutral and non-polar, at codon 467 of the CDHR1 protein (p.Asp467Ala). This variant is present in population databases (rs146934914, gnomAD 0.07%). This variant has not been reported in the literature in individuals affected with CDHR1-related conditions. Advanced modeling of protein sequence and biophysical properties (such as structural, functional, and spatial information, amino acid conservation, physicochemical variation, residue mobility, and thermodynamic stability) performed at Invitae indicates that this missense variant is expected to disrupt CDHR1 protein function.

Blueprint Genetics
Classification: Uncertain significance. Last evaluated: 2020-10-06. Review status: criteria provided, single submitter. Criteria: ACMG Guidelines, 2015. Collection method: clinical testing. Allele origin: germline.